The following is an entry in ClinVar:

NM_005422.4(TECTA):c.5007G>T (p.Gln1669His)

Genes: TBCEL-TECTA (TBCEL-TECTA readthrough; plus strand), TECTA (tectorin alpha; plus strand). Cytogenetic location: 11q23.3.
Variant type: single nucleotide variant.
Coding change: c.5007G>T on transcript NM_005422.4 (MANE Select); coding-DNA position 5007, G replaced by T.
Protein change: p.Gln1669His; replaces glutamine 1669 with histidine.
Molecular consequence: missense variant.
Genome position (GRCh38, 1-based): chr11:121,162,105, G>T. VCF-style: chr11-121162105-G-T. GRCh37 (hg19) VCF-style: chr11-121032814-G-T.
Other names: c.5949G>T, p.Gln1983His (NM_001378761.1); short protein forms Q1669H, Q1983H.
Identifiers: ClinVar variation 667336 (VCV000667336.6), dbSNP rs1047688327, ClinGen allele CA229847627.

ClinVar aggregate classification (germline): Uncertain significance. Review status: criteria provided, multiple submitters, no conflicts (2 of 4 stars). 2 submissions from 2 submitters: Uncertain significance (2). Last evaluated 2024-07-02.

Conditions:
Inborn genetic diseases. Identifiers: MedGen C0950123, MeSH D030342.

Allele frequency attached by ClinVar (database versions not stated): TOPMed 0.00002; gnomAD 0.00004; gnomAD exomes 0.00001.
gnomAD v4.1: 44 of 1,614,060 alleles (0.0027%); highest among the groups gnomAD compares: Non-Finnish European, 0.0036%; no homozygotes.

Submissions (2):

Ambry Genetics
Classification: Uncertain significance for Inborn genetic diseases. Last evaluated: 2024-07-02. Review status: criteria provided, single submitter. Criteria: Ambry Variant Classification Scheme 2023. Collection method: clinical testing. Allele origin: germline.

Laboratory for Molecular Medicine, Mass General Brigham Personalized Medicine
Classification: Uncertain significance. Last evaluated: 2019-02-01. Review status: criteria provided, single submitter. Criteria: LMM Criteria. Collection method: clinical testing. Allele origin: germline. Observed: 1 variant allele.
Comment: The p.Gln1669His variant in TECTA has not been previously reported in individuals with hearing loss, but has been identified in 5/128904 European chromosomes by gnomAD. Computational prediction tools and conservation analysis do not provide strong support for or against an impact to the protein. In summary, the clinical significance of this variant is uncertain. ACMG/AMP Criteria applied: PM2_Supporting.